The following is an entry in ClinVar:

ClinVar aggregate classification (germline): Uncertain significance. Review status: criteria provided, single submitter (1 of 4 stars). 2 submissions from 2 submitters: Uncertain significance (1). 1 of the submissions does not count toward it. Last evaluated 2025-07-24.

Conditions:
Activated PI3K-delta syndrome. Identifiers: Orphanet 397596, MedGen C3714976, MONDO:0018338.
Immunodeficiency 14 (IMD14A). Also called: IMMUNODEFICIENCY 14A WITH LYMPHOPROLIFERATION, AUTOSOMAL DOMINANT; p110-DELTA-ACTIVATING MUTATION CAUSING SENESCENT T CELLS, LYMPHADENOPATHY, AND IMMUNODEFICIENCY; ACTIVATED PI3K-DELTA SYNDROME 1; Activated PI3K Delta Syndrome Type 1 (APDS1). Identifiers: Orphanet 397596, Orphanet 693661, MedGen C5907821, MONDO:0014222, OMIM 615513.

gnomAD v4.1: 20 of 1,614,020 alleles (0.0012%); highest among the groups gnomAD compares: South Asian, 0.0099%; no homozygotes.

Submissions (2):

Labcorp Genetics (formerly Invitae), Labcorp
Classification: Uncertain significance for Activated PI3K-delta syndrome. Last evaluated: 2025-07-24. Review status: criteria provided, single submitter. Criteria: Invitae Variant Classification Sherloc (09022015). Collection method: clinical testing. Allele origin: germline.
Comment: This sequence change replaces proline, which is neutral and non-polar, with leucine, which is neutral and non-polar, at codon 299 of the PIK3CD protein (p.Pro299Leu). This variant is present in population databases (rs201869776, gnomAD 0.007%). This missense change has been observed in individual(s) with sensorineural hearing loss and primary immunodeficiency (PMID: 29937814). ClinVar contains an entry for this variant (Variation ID: 3615597). Invitae Evidence Modeling of protein sequence and biophysical properties (such as structural, functional, and spatial information, amino acid conservation, physicochemical variation, residue mobility, and thermodynamic stability) indicates that this missense variant is not expected to disrupt PIK3CD protein function with a negative predictive value of 80%. In summary, the available evidence is currently insufficient to determine the role of this variant in disease. Therefore, it has been classified as a Variant of Uncertain Significance.

Rarefied Biosciences Lab
Classification: Likely benign for Activated PI3K-delta syndrome. Review status: no assertion criteria provided. Collection method: research. Allele origin: germline, not applicable. Affected: yes. Functional consequence: gain_of_function_variant. Not counted in ClinVar's aggregate classification.
Comment: The PIK3CD c.896C>T (p.Pro299Leu) variant results in a missense substitution of proline to leucine at codon 299. This residue does not appear to be highly conserved, and the substitution occurs outside of known critical functional domains of PIK3CD. The variant has a Joint Maximum Group Allele Frequency (AF) of 0.00005136, which is within the range observed for benign variants. Functional immune profiling demonstrated T follicular helper (TFH) cells at 6.37%, which falls within control levels, and transitional B cells at 9.75%, also within the normal range, suggesting no significant immune dysregulation. Additionally, no aberrant activation of the mTOR signaling pathway was observed, indicating that PI3K signaling remains unaffected. Computational predictive tools further support a benign classification, with a REVEL score of 0.079, which falls below commonly used pathogenicity thresholds. No publications have associated this variant with disease. Given the absence of functional impact, normal immune parameters, lack of mTOR activation, and benign computational predictions, PIK3CD c.896C>T (p.Pro299Leu) is best classified as Likely Benign

Literature cited by the submitters: PubMed 29937814 (cited by Labcorp Genetics (formerly Invitae), Labcorp); PubMed 31031754 (cited by Rarefied Biosciences Lab).

NM_005026.5(PIK3CD):c.896C>T (p.Pro299Leu)

Gene: PIK3CD (phosphatidylinositol-4,5-bisphosphate 3-kinase catalytic subunit delta; plus strand). Cytogenetic location: 1p36.22.
Variant type: single nucleotide variant.
Coding change: c.896C>T on transcript NM_005026.5 (MANE Select); coding-DNA position 896, C replaced by T.
Protein change: p.Pro299Leu; replaces proline 299 with leucine.
Molecular consequence: missense variant.
Genome position (GRCh38, 1-based): chr1:9,717,074, C>T. VCF-style: chr1-9717074-C-T. GRCh37 (hg19) VCF-style: chr1-9777132-C-T.
Other names: c.896C>T, p.Pro299Leu (NM_001350234.2); c.809C>T, p.Pro270Leu (NM_001350235.1); short protein forms P270L, P299L.
Identifiers: ClinVar variation 3615597 (VCV003615597.4).